The following is an entry in ClinVar:

ClinVar aggregate classification (germline): Likely benign. Review status: criteria provided, multiple submitters, no conflicts (2 of 4 stars). 2 submissions from 2 submitters: Likely benign (2). Last evaluated 2026-07-01.

Allele frequency attached by ClinVar (database versions not stated): gnomAD exomes below 0.00001; ExAC 0.00001; TOPMed 0.00001; ESP Exome Variant Server 0.00008.
gnomAD v4.1: 7 of 1,612,948 alleles (0.00043%); highest among the groups gnomAD compares: South Asian, 0.0022%; no homozygotes.

Submissions (2):

CeGaT Center for Human Genetics Tuebingen
Classification: Likely benign. Last evaluated: 2026-07-01. Review status: criteria provided, single submitter. Criteria: CeGaT Center For Human Genetics Tuebingen Variant Classification Criteria Version 2. Collection method: clinical testing. Allele origin: germline. Affected: yes. Observed: 2 variant alleles.
Comment: NALCN: BP4, BP7

Labcorp Genetics (formerly Invitae), Labcorp
Classification: Likely benign. Last evaluated: 2025-03-06. Review status: criteria provided, single submitter. Criteria: Invitae Variant Classification Sherloc (09022015). Collection method: clinical testing. Allele origin: germline.

NM_052867.4(NALCN):c.3246T>C (p.Pro1082=)

Gene: NALCN (sodium leak channel, non-selective; minus strand). Cytogenetic location: 13q32.3.
Variant type: single nucleotide variant.
Coding change: c.3246T>C on transcript NM_052867.4 (MANE Select); coding-DNA position 3246, T replaced by C.
Protein change: p.Pro1082=; no amino-acid change (proline 1082 retained).
Molecular consequence: synonymous variant.
Genome position (GRCh38, 1-based): chr13:101,095,597, A>G on the plus strand (T>C on the coding strand, the complement: NALCN is on the minus strand). VCF-style: chr13-101095597-A-G. GRCh37 (hg19) VCF-style: chr13-101747948-A-G.
Other names: c.3333T>C, p.Pro1111= (NM_001350748.2); c.3246T>C, p.Pro1082= (NM_001350749.2); c.3159T>C, p.Pro1053= (NM_001350750.2, NM_001350751.2).
Identifiers: ClinVar variation 2643897 (VCV002643897.26), dbSNP rs373043573, ClinGen allele CA7035460.
Genomic context (GRCh38, chr13:101,095,597, plus strand): 5'-CACCATTCTTCAGAATATTTTTTTATGATATACTTACCAAACACGGGGCACCCAAAATCC[A>G]GGTTTTTTCTCTCCAGGCCTCAATTTTAAATTTAAGTTCTTTGACACACTGACATTAATT-3'
Protein context (NP_443099.1, residues 1072-1092): NLKLRPGEKK[Pro1082=]GFWVPRVWAN